The following is an entry in ClinVar:

NM_001376.5(DYNC1H1):c.9280T>C (p.Phe3094Leu)

Genes: DYNC1H1 (dynein cytoplasmic 1 heavy chain 1; plus strand), LOC126862060 (BRD4-independent group 4 enhancer GRCh37_chr14:102493659-102494858; plus strand). Cytogenetic location: 14q32.31.
Variant type: single nucleotide variant.
Coding change: c.9280T>C on transcript NM_001376.5 (MANE Select); coding-DNA position 9280, T replaced by C.
Protein change: p.Phe3094Leu; replaces phenylalanine 3094 with leucine.
Molecular consequence: missense variant.
Genome position (GRCh38, 1-based): chr14:102,027,953, T>C. VCF-style: chr14-102027953-T-C. GRCh37 (hg19) VCF-style: chr14-102494290-T-C.
Other names: short protein forms F3094L.
Identifiers: ClinVar variation 1314285 (VCV001314285.2), dbSNP rs2152589291, ClinGen allele CA391013169.

ClinVar aggregate classification (germline): Uncertain significance (1 of 4 stars; one submission).

Submission:

GeneDx
Classification: Uncertain significance. Last evaluated: 2020-01-30. Review status: criteria provided, single submitter. Criteria: GeneDx Variant Classification Process June 2021. Collection method: clinical testing. Allele origin: germline. Affected: yes.
Comment: Not observed in large population cohorts (Lek et al., 2016); In silico analysis supports that this missense variant has a deleterious effect on protein structure/function; Has not been previously published as pathogenic or benign to our knowledge